The following is an entry in ClinVar:

NM_005898.5(CAPRIN1):c.1406C>T (p.Ala469Val)

Gene: CAPRIN1 (cell cycle associated protein 1; plus strand). Cytogenetic location: 11p13.
Variant type: single nucleotide variant.
Coding change: c.1406C>T on transcript NM_005898.5 (MANE Select); coding-DNA position 1406, C replaced by T.
Protein change: p.Ala469Val; replaces alanine 469 with valine.
Molecular consequence: missense variant.
Genome position (GRCh38, 1-based): chr11:34,090,530, C>T. VCF-style: chr11-34090530-C-T. GRCh37 (hg19) VCF-style: chr11-34112077-C-T.
Other names: c.1406C>T, p.Ala469Val (NM_203364.3); short protein forms A469V.
Identifiers: ClinVar variation 4082889 (VCV004082889.1).

ClinVar aggregate classification (germline): Uncertain significance (1 of 4 stars; one submission).

Submission:

GeneDx
Classification: Uncertain significance. Last evaluated: 2025-03-05. Review status: criteria provided, single submitter. Criteria: GeneDx Variant Classification Process June 2021. Collection method: clinical testing. Allele origin: germline. Affected: yes.
Comment: Not observed at significant frequency in large population cohorts (gnomAD); In silico analysis indicates that this missense variant does not alter protein structure/function; Has not been previously published as pathogenic or benign to our knowledge